The following is an entry in ClinVar:

NM_004064.5(CDKN1B):c.320del (p.Gln107fs)

Gene: CDKN1B (cyclin dependent kinase inhibitor 1B; plus strand). Cytogenetic location: 12p13.1.
Variant type: Deletion.
Coding change: c.320del on transcript NM_004064.5 (MANE Select); coding-DNA position 320, one base deleted (A; older notation c.320delA).
Protein change: p.Gln107fs; shifts the reading frame from glutamine 107.
Molecular consequence: frameshift variant.
Genome position (GRCh38, 1-based): chr12:12,718,159, A deleted. VCF-style (leftmost placement, unchanged base first): chr12-12718158-CA-C. GRCh37 (hg19) VCF-style: chr12-12871092-CA-C.
Other names: short protein forms Q107fs.
Identifiers: ClinVar variation 823199 (VCV000823199.44), dbSNP rs755301027, ClinGen allele CA6457460.
Genomic context (GRCh38, chr12:12,718,158, plus strand): 5'-TTCTACTACAGACCCCCGCGGCCCCCCAAAGGTGCCTGCAAGGTGCCGGCGCAGGAGAGC[CA>C]GGATGTCAGCGGGAGCCGCCCGGCGGCGCCTTTAATTGGGGCTCCGGCTAACTCTGAGGA-3'

ClinVar aggregate classification (germline): Pathogenic. Review status: criteria provided, multiple submitters, no conflicts (2 of 4 stars). 5 submissions from 5 submitters: Pathogenic (5). Last evaluated 2025-10-29.

Conditions:
Hereditary cancer-predisposing syndrome. Also called: Tumor predisposition; Hereditary neoplastic syndrome; Neoplastic Syndromes, Hereditary; Hereditary Cancer Syndrome. Identifiers: Orphanet 140162, MedGen C0027672, MeSH D009386, MONDO:0015356.
Multiple endocrine neoplasia type 4. Also called: MULTIPLE ENDOCRINE NEOPLASIA, TYPE IV. Identifiers: Orphanet 276152, MedGen C1970712, MONDO:0012552, OMIM 610755.

Allele frequency attached by ClinVar (database versions not stated): gnomAD exomes below 0.00001; ExAC 0.00001.

Submissions (5):

Ambry Genetics
Classification: Pathogenic for Hereditary cancer-predisposing syndrome. Last evaluated: 2025-10-29. Review status: criteria provided, single submitter. Criteria: Ambry Variant Classification Scheme 2023. Collection method: clinical testing. Allele origin: germline.
Comment: The c.320delA pathogenic mutation, located in coding exon 1 of the CDKN1B gene, results from a deletion of one nucleotide at nucleotide position 320, causing a translational frameshift with a predicted alternate stop codon (p.Q107Rfs*12). This alteration is expected to result in loss of function by premature protein truncation or nonsense-mediated mRNA decay. As such, this alteration is interpreted as a disease-causing mutation.

Quest Diagnostics Nichols Institute San Juan Capistrano
Classification: Pathogenic. Last evaluated: 2025-02-28. Review status: criteria provided, single submitter. Criteria: Quest Diagnostics criteria. Collection method: clinical testing. Allele origin: unknown.
Comment: The CDKN1B c.320del (p.Gln107Argfs*12) variant alters the translational reading frame of the CDKN1B mRNA and causes the premature termination of CDKN1B protein synthesis. This variant has been reported in the published literature in individuals with multiple endocrine neoplasia 4 (PMID: 32232325 (2020), 36256846 (2022)). A functional study demonstrated that this variant had a damaging effect on protein function (PMID: 32232325 (2020)). The frequency of this variant in the general population (Genome Aggregation Database) is consistent with pathogenicity. Based on the available information, this variant is classified as pathogenic.

Labcorp Genetics (formerly Invitae), Labcorp
Classification: Pathogenic for Multiple endocrine neoplasia type 4. Last evaluated: 2025-02-06. Review status: criteria provided, single submitter. Criteria: Invitae Variant Classification Sherloc (09022015). Collection method: clinical testing. Allele origin: germline.
Comment: This sequence change creates a premature translational stop signal (p.Gln107Argfs*12) in the CDKN1B gene. It is expected to result in an absent or disrupted protein product. Loss-of-function variants in CDKN1B are known to be pathogenic (PMID: 17030811, 24819502). This variant is present in population databases (rs755301027, gnomAD 0.01%). This variant has not been reported in the literature in individuals affected with CDKN1B-related conditions. ClinVar contains an entry for this variant (Variation ID: 823199). For these reasons, this variant has been classified as Pathogenic.

3billion
Classification: Pathogenic for Multiple endocrine neoplasia type 4. Last evaluated: 2022-01-03. Review status: criteria provided, single submitter. Criteria: ACMG Guidelines, 2015. Collection method: clinical testing. Allele origin: germline. Affected: yes. Observed: 1 heterozygote.
Comment: Frameshift: predicted to result in a loss or disruption of normal protein function through nonsense-mediated decay (NMD) or protein truncation. Multiple pathogenic variants are reported downstream of the variant (PVS1_VS). Functional studies provide strong evidence of the variant having a damaging effect on the gene or gene product (PMID:32232325, PS3_S). It is observed at an extremely low frequency in the gnomAD v2.1.1 dataset (total allele frequency: 0.000004, PM2_M). Therefore, this variant is classified as pathogenic according to the recommendation of ACMG/AMP guideline.

CeGaT Center for Human Genetics Tuebingen
Classification: Pathogenic. Last evaluated: 2021-07-01. Review status: criteria provided, single submitter. Criteria: CeGaT Center For Human Genetics Tuebingen Variant Classification Criteria Version 2. Collection method: clinical testing. Allele origin: germline. Affected: yes. Observed: 2 variant alleles.

Literature cited by the submitters: PubMed 32232325 (cited by Quest Diagnostics Nichols Institute San Juan Capistrano and 3billion); PubMed 36256846 (cited by Quest Diagnostics Nichols Institute San Juan Capistrano); PubMed 17030811 (cited by Labcorp Genetics (formerly Invitae), Labcorp); PubMed 24819502 (cited by Labcorp Genetics (formerly Invitae), Labcorp).